The following is an entry in ClinVar:

ClinVar aggregate classification (germline): Benign/Likely benign. Review status: criteria provided, multiple submitters, no conflicts (2 of 4 stars). 3 submissions from 3 submitters: Benign (1); Likely benign (2). Last evaluated 2026-01-25.

Conditions:
Hereditary cancer-predisposing syndrome. Also called: Neoplastic Syndromes, Hereditary; Hereditary neoplastic syndrome; Tumor predisposition; Hereditary Cancer Syndrome. Identifiers: Orphanet 140162, MedGen C0027672, MeSH D009386, MONDO:0015356.
POLD1-related polyposis and colorectal cancer syndrome (CRCS10). Also called: Colorectal cancer 10; COLORECTAL CANCER, SUSCEPTIBILITY TO, ON CHROMOSOME 19q; Colorectal cancer, susceptibility to, 10. Identifiers: Orphanet 220460, MedGen C2675481, MONDO:0012953, OMIM 612591.

Allele frequency attached by ClinVar (database versions not stated): ExAC below 0.00001; gnomAD exomes below 0.00001; TOPMed below 0.00001.
gnomAD v4.1: 6 of 1,563,272 alleles (0.00038%); highest among the groups gnomAD compares: Non-Finnish European, 0.00043%; no homozygotes.

Submissions (3):

Labcorp Genetics (formerly Invitae), Labcorp
Classification: Likely benign for POLD1-related polyposis and colorectal cancer syndrome. Last evaluated: 2026-01-25. Review status: criteria provided, single submitter. Criteria: Invitae Variant Classification Sherloc (09022015). Collection method: clinical testing. Allele origin: germline.

Myriad Genetics, Inc.
Classification: Benign for POLD1-related polyposis and colorectal cancer syndrome. Last evaluated: 2025-02-05. Review status: criteria provided, single submitter. Criteria: Myriad Autosomal Dominant, Autosomal Recessive and X-Linked Classification Criteria (2023). Collection method: clinical testing. Allele origin: unknown.
Comment: This variant is considered benign. This variant is a silent/synonymous amino acid change and it is not expected to impact splicing.

Ambry Genetics
Classification: Likely benign for Hereditary cancer-predisposing syndrome. Last evaluated: 2016-08-22. Review status: criteria provided, single submitter. Criteria: Ambry Variant Classification Scheme 2023. Collection method: clinical testing. Allele origin: germline.

NM_002691.4(POLD1):c.996C>T (p.Asp332=)

Gene: POLD1 (DNA polymerase delta 1, catalytic subunit; plus strand). Cytogenetic location: 19q13.33.
Variant type: single nucleotide variant.
Coding change: c.996C>T on transcript NM_002691.4 (MANE Select); coding-DNA position 996, C replaced by T.
Protein change: p.Asp332=; no amino-acid change (aspartic acid 332 retained).
Molecular consequence: synonymous variant. On other transcripts: non-coding transcript variant (1).
Genome position (GRCh38, 1-based): chr19:50,403,078, C>T. VCF-style: chr19-50403078-C-T. GRCh37 (hg19) VCF-style: chr19-50906335-C-T.
Other names: c.996C>T, p.Asp332= (NM_001256849.1, NM_001308632.1).
Identifiers: ClinVar variation 469404 (VCV000469404.17), dbSNP rs781015976, ClinGen allele CA9596000.